The following is an entry in ClinVar:

ClinVar aggregate classification (germline): Uncertain significance. Review status: criteria provided, single submitter (1 of 4 stars). 2 submissions from 2 submitters: Uncertain significance (1). 1 of the submissions does not count toward it. Last evaluated 2026-07-13.

Conditions:
BAAT-related disorder. Also called: BAAT-related condition.
Bile acid conjugation defect 1. Also called: HYPERCHOLANEMIA, FAMILIAL 3. Identifiers: MedGen C5543203, MONDO:0030991, OMIM 619232.

Allele frequency attached by ClinVar (database versions not stated): ESP Exome Variant Server 0.00008.
gnomAD v4.1: 2 of 1,614,100 alleles (0.00012%); highest among the groups gnomAD compares: Non-Finnish European, 0.00017%; no homozygotes.

Submissions (2):

PreventionGenetics, part of Exact Sciences
Classification: Uncertain significance for BAAT-related condition. Last evaluated: 2026-07-13. Review status: criteria provided, single submitter. Criteria: ACMG Guidelines, 2015. Collection method: clinical testing. Allele origin: germline.
Comment: The BAAT c.250C>A variant is predicted to result in the amino acid substitution p.Pro84Thr. This variant has been reported in the homozygous state in a patient with fat-soluble vitamin deficiency (Setchell et al. 2013. PubMed ID: 23415802). This variant has not been reported in a large population database (gnomAD), indicating this variant is rare. Although we suspect that this variant may be pathogenic, at this time, the clinical significance of this variant is uncertain due to the absence of conclusive functional and genetic evidence.

OMIM
Classification: Pathogenic for HYPERCHOLANEMIA, FAMILIAL 3. Last evaluated: 2024-11-25. Review status: no assertion criteria provided. Collection method: literature only. Allele origin: germline. Not counted in ClinVar's aggregate classification.

Literature cited by the submitters: PubMed 23415802 (cited by OMIM).

NM_001701.4(BAAT):c.250C>A (p.Pro84Thr)

Gene: BAAT (bile acid-CoA:amino acid N-acyltransferase; minus strand). Cytogenetic location: 9q31.1.
Variant type: single nucleotide variant.
Coding change: c.250C>A on transcript NM_001701.4 (MANE Select); coding-DNA position 250, C replaced by A.
Protein change: p.Pro84Thr; replaces proline 84 with threonine.
Molecular consequence: missense variant.
Genome position (GRCh38, 1-based): chr9:101,371,155, G>T on the plus strand (C>A on the coding strand, the complement: BAAT is on the minus strand). VCF-style: chr9-101371155-G-T. GRCh37 (hg19) VCF-style: chr9-104133437-G-T.
Other names: c.250C>A, p.Pro84Thr (NM_001127610.2, NM_001374715.1); c.250C>A (NM_001701.3); short protein forms P84T.
Identifiers: ClinVar variation 1048535 (VCV001048535.3), dbSNP rs369808582, ClinGen allele CA196950340.
Genomic context (GRCh38, chr9:101,371,155, plus strand): 5'-GGACCTGGAAAGGCCTATTCATCACATCTCTTTTCAACAGTCTTGTTAATAGCTTTTCAG[G>T]TTTCAGAGACCAGAAGAGACCCATGGGGTGGACTCCCATATAATCCCCTCCAAGTGAAGA-3'
Protein context (NP_001692.1, residues 74-94): HPMGLFWSLK[Pro84Thr]EKLLTRLLKR